The following is an entry in ClinVar:

NM_001003694.2(BRPF1):c.141C>T (p.His47=)

Gene: BRPF1 (bromodomain and PHD finger containing 1; plus strand). Cytogenetic location: 3p25.3.
Variant type: single nucleotide variant.
Coding change: c.141C>T on transcript NM_001003694.2 (MANE Select); coding-DNA position 141, C replaced by T.
Protein change: p.His47=; no amino-acid change (histidine 47 retained).
Molecular consequence: synonymous variant. On other transcripts: non-coding transcript variant (1).
Genome position (GRCh38, 1-based): chr3:9,734,281, C>T. VCF-style: chr3-9734281-C-T. GRCh37 (hg19) VCF-style: chr3-9775965-C-T.
Other names: c.141C>T, p.His47= (NM_001319049.2, NM_001319050.2, NM_001410704.1 and 1 more transcripts).
Identifiers: ClinVar variation 3771148 (VCV003771148.14).
Genomic context (GRCh38, chr3:9,734,281, plus strand): 5'-CTGCCGAAAGGTCTACAAGAGTTACAGTGGTATTGAGTACCACCTGTACCACTATGACCA[C>T]GACAACCCACCACCCCCACAACAAACTCCACTCCGCAAGCACAAGAAAAAGGGGCGCCAG-3'
Protein context (NP_001003694.1, residues 37-57): GIEYHLYHYD[His47=]DNPPPPQQTP

ClinVar aggregate classification (germline): Likely benign. Review status: criteria provided, multiple submitters, no conflicts (2 of 4 stars). 2 submissions from 2 submitters: Likely benign (2). Last evaluated 2025-02-01.

gnomAD v4.1: 1,177 of 1,614,070 alleles (0.073%); highest among the groups gnomAD compares: Non-Finnish European, 0.059%; 2 homozygotes.

Submissions (2):

CeGaT Center for Human Genetics Tuebingen
Classification: Likely benign. Last evaluated: 2025-02-01. Review status: criteria provided, single submitter. Criteria: CeGaT Center For Human Genetics Tuebingen Variant Classification Criteria Version 2. Collection method: clinical testing. Allele origin: germline. Affected: yes. Observed: 1 variant allele.
Comment: BRPF1: BP4, BP7

Blueprint Genetics
Classification: Likely benign. Last evaluated: 2024-09-05. Review status: criteria provided, single submitter. Criteria: ACMG Guidelines, 2015. Collection method: clinical testing. Allele origin: germline.